The following is an entry in ClinVar:

NM_000059.4(BRCA2):c.5653del (p.Cys1885fs)

Gene: BRCA2 (BRCA2 DNA repair associated; plus strand). Cytogenetic location: 13q13.1.
Variant type: Deletion.
Coding change: c.5653del on transcript NM_000059.4 (MANE Select); coding-DNA position 5653, one base deleted (T; older notation c.5653delT).
Protein change: p.Cys1885fs; shifts the reading frame from cysteine 1885.
Molecular consequence: frameshift variant.
Genome position (GRCh38, 1-based): chr13:32,340,008, T deleted; the last of 3 consecutive T bases (chr13:32,340,006-32,340,008); deleting any one gives the same sequence. VCF-style (leftmost placement, unchanged base first): chr13-32340005-AT-A. GRCh37 (hg19) VCF-style: chr13-32914142-AT-A.
Other names: c.5653delT (NM_000059.3); short protein forms C1885fs.
Identifiers: ClinVar variation 409491 (VCV000409491.11), dbSNP rs886040602, ClinGen allele CA16614178.
Genomic context (GRCh38, chr13:32,340,005, plus strand): 5'-GACATATTTACAGACAGTTTCAGTAAAGTAATTAAGGAAAACAACGAGAATAAATCAAAA[AT>A]TTGCCAAACGAAAATTATGGCAGGTTGTTACGAGGCATTGGATGATTCAGAGGATATTCT-3'

ClinVar aggregate classification (germline): Pathogenic. Review status: reviewed by expert panel (3 of 4 stars). 5 submissions from 5 submitters: Pathogenic (1). 4 of the submissions do not count toward it. Last evaluated 2017-12-15.

Conditions:
Hereditary cancer-predisposing syndrome. Also called: Hereditary neoplastic syndrome; Neoplastic Syndromes, Hereditary; Tumor predisposition; Hereditary Cancer Syndrome. Identifiers: Orphanet 140162, MedGen C0027672, MeSH D009386, MONDO:0015356.
Hereditary breast ovarian cancer syndrome. Also called: Hereditary breast and ovarian cancer syndrome; Hereditary breast and/or ovarian cancer syndrome; BRCA1- and BRCA2-Associated Hereditary Breast and Ovarian Cancer; Hereditary breast and ovarian cancer syndrome (HBOC); Hereditary breast and ovarian cancer; Breast and ovarian cancer. Identifiers: Orphanet 145, MedGen C0677776, MeSH D061325, MONDO:0003582. Disease mechanism: loss of function.
Breast-ovarian cancer, familial, susceptibility to, 2 (BROVCA2). Also called: BRCA2 Hereditary Breast and Ovarian Cancer. Identifiers: Orphanet 145, MedGen C2675520, MONDO:0012933, OMIM 612555. Disease mechanism: loss of function.

Submissions (5):

Evidence-based Network for the Interpretation of Germline Mutant Alleles (ENIGMA)
Classification: Pathogenic for Breast-ovarian cancer, familial, susceptibility to, 2. Last evaluated: 2017-12-15. Review status: reviewed by expert panel. Criteria: ENIGMA BRCA1/2 Classification Criteria (2017-06-29). Collection method: curation. Allele origin: germline. Study: ENIGMA.
Comment: Variant allele predicted to encode a truncated non-functional protein.

Ambry Genetics
Classification: Pathogenic for Hereditary cancer-predisposing syndrome. Last evaluated: 2025-12-11. Review status: criteria provided, single submitter. Criteria: Ambry Variant Classification Scheme 2023. Collection method: clinical testing. Allele origin: germline. Not counted in ClinVar's aggregate classification.
Comment: The c.5653delT variant, located in coding exon 10 of the BRCA2 gene, results from a deletion of one nucleotide at nucleotide position 5653, causing a translational frameshift with a predicted alternate stop codon (p.C1885Afs*24). This variant is considered to be rare based on population cohorts in the Genome Aggregation Database (gnomAD). This alteration is expected to result in loss of function by premature protein truncation or nonsense-mediated mRNA decay. As such, this alteration is interpreted as a disease-causing mutation.

Labcorp Genetics (formerly Invitae), Labcorp
Classification: Pathogenic for Hereditary breast ovarian cancer syndrome. Last evaluated: 2021-12-23. Review status: criteria provided, single submitter. Criteria: Invitae Variant Classification Sherloc (09022015). Collection method: clinical testing. Allele origin: germline. Not counted in ClinVar's aggregate classification.
Comment: ClinVar contains an entry for this variant (Variation ID: 409491). This sequence change creates a premature translational stop signal (p.Cys1885Alafs*24) in the BRCA2 gene. It is expected to result in an absent or disrupted protein product. Loss-of-function variants in BRCA2 are known to be pathogenic (PMID: 20104584). This variant is not present in population databases (gnomAD no frequency). This variant has not been reported in the literature in individuals affected with BRCA2-related conditions. For these reasons, this variant has been classified as Pathogenic.

Women's Health and Genetics/Laboratory Corporation of America, LabCorp
Classification: Likely pathogenic for Hereditary breast and ovarian cancer syndrome. Last evaluated: 2017-11-03. Review status: criteria provided, single submitter. Criteria: LabCorp Variant Classification Summary - May 2015. Collection method: clinical testing. Allele origin: germline. Not counted in ClinVar's aggregate classification.
Comment: Variant summary: The c.5653delT (p.Cys1885Alafs*24) variant in BRCA2 gene is a frameshift change that results in the loss of the ~1500 amino acids of BRCA2 protein (~55%). This change is predicted to cause loss of normal protein function through protein truncation or nonsense-mediated mRNA decay. The variant is absent from the large control population datasets of ExAC and gnomAD (120680 and 244700 chrs tested, respectively). The c.5653delT has not, to our knowledge, been reported in affected individuals via published reports but is cited as Pathogenic by reputable databases/clinical laboratories. Other truncated variants, such as c.5656C>T (p.Gln1886* and c.5665delA (p.Ile1889Leufs*20), have been reported in association with HBOC. Taking together, the variant was classified as Likely Pathogenic.

Counsyl
Classification: Likely pathogenic for Breast-ovarian cancer, familial, susceptibility to, 2. Last evaluated: 2017-06-02. Review status: no assertion criteria provided. Collection method: clinical testing. Allele origin: unknown. Not counted in ClinVar's aggregate classification.

Literature cited by the submitters: PubMed 20104584 (cited by Labcorp Genetics (formerly Invitae), Labcorp).